The following is an entry in ClinVar:

NM_001966.4(EHHADH):c.2117A>T (p.Asn706Ile)

Gene: EHHADH (enoyl-CoA hydratase and 3-hydroxyacyl CoA dehydrogenase; minus strand). Cytogenetic location: 3q27.2.
Variant type: single nucleotide variant.
Coding change: c.2117A>T on transcript NM_001966.4 (MANE Select); coding-DNA position 2117, A replaced by T.
Protein change: p.Asn706Ile; replaces asparagine 706 with isoleucine.
Molecular consequence: missense variant.
Genome position (GRCh38, 1-based): chr3:185,192,281, T>A on the plus strand (A>T on the coding strand, the complement: EHHADH is on the minus strand). VCF-style: chr3-185192281-T-A. GRCh37 (hg19) VCF-style: chr3-184910069-T-A.
Other names: p.Asn706Ile; c.1829A>T, p.Asn610Ile (NM_001166415.2); short protein forms N706I, N610I.
Identifiers: ClinVar variation 501352 (VCV000501352.35), dbSNP rs56056620, ClinGen allele CA2738847.

ClinVar aggregate classification (germline): Benign/Likely benign. Review status: criteria provided, multiple submitters, no conflicts (2 of 4 stars). 5 submissions from 5 submitters: Benign (4); Likely benign (1). Last evaluated 2026-09-01.

Allele frequency attached by ClinVar (database versions not stated): 1000 Genomes Project 30x 0.00328; 1000 Genomes Project 0.00379; ExAC 0.00419; gnomAD 0.00423 and 0.00431; ESP Exome Variant Server 0.00438; gnomAD exomes 0.00443 and 0.00451; TOPMed 0.00490.
gnomAD v4.1: 7,270 of 1,613,598 alleles (0.45%); highest among the groups gnomAD compares: Admixed American, 0.85%; 24 homozygotes.

Submissions (5):

CeGaT Center for Human Genetics Tuebingen
Classification: Likely benign. Last evaluated: 2026-09-01. Review status: criteria provided, single submitter. Criteria: CeGaT Center For Human Genetics Tuebingen Variant Classification Criteria Version 2. Collection method: clinical testing. Allele origin: germline. Affected: yes. Observed: 4 variant alleles.
Comment: EHHADH: BS2

Mayo Clinic Laboratories, Mayo Clinic
Classification: Benign. Last evaluated: 2021-06-22. Review status: criteria provided, single submitter. Criteria: ACMG Guidelines, 2015. Collection method: clinical testing. Allele origin: germline. Observed: 7 variant alleles.

Labcorp Genetics (formerly Invitae), Labcorp
Classification: Benign. Last evaluated: 2019-12-31. Review status: criteria provided, single submitter. Criteria: Invitae Variant Classification Sherloc (09022015). Collection method: clinical testing. Allele origin: germline.

Eurofins Ntd Llc (ga)
Classification: Benign. Last evaluated: 2017-04-10. Review status: criteria provided, single submitter. Criteria: EGL Classification Definitions 2015. Collection method: clinical testing. Allele origin: germline. Observed: 1 variant allele, 1 homozygote.

Breakthrough Genomics
Classification: Benign. Review status: criteria provided, single submitter. Criteria: ACMG Guidelines, 2015. Collection method: not provided. Allele origin: germline. Inheritance: Autosomal dominant inheritance. Affected: yes.